The following is an entry in ClinVar:

ClinVar aggregate classification (germline): Uncertain significance. Review status: criteria provided, multiple submitters, no conflicts (2 of 4 stars). 6 submissions from 6 submitters: Uncertain significance (5). 1 of the submissions does not count toward it. Last evaluated 2026-01-10.

Conditions:
JUP-related disorder. Also called: JUP-related condition.
Cardiovascular phenotype. Identifiers: MedGen CN230736.
Naxos disease (NXD). Also called: KERATOSIS PALMOPLANTARIS WITH ARRHYTHMOGENIC CARDIOMYOPATHY; MAL DE NAXOS; PALMOPLANTAR KERATODERMA WITH ARRHYTHMOGENIC RIGHT VENTRICULAR CARDIOMYOPATHY AND WOOLLY HAIR; WOOLLY HAIR, PALMOPLANTAR KERATODERMA, AND CARDIAC ABNORMALITIES; CARDIOMYOPATHY, ARRHYTHMOGENIC RIGHT VENTRICULAR, WITH SKIN, HAIR, AND NAIL ABNORMALITIES. Identifiers: Orphanet 34217, MedGen C1832600, MONDO:0011017, OMIM 601214.
Arrhythmogenic right ventricular dysplasia 12. Also called: ARRHYTHMOGENIC RIGHT VENTRICULAR DYSPLASIA, FAMILIAL, 12. Identifiers: MedGen C1969081, MONDO:0012684, OMIM 611528.
Cardiomyopathy (CMYO). Also called: Cardiomyopathies. Identifiers: Orphanet 167848, MedGen C0878544, MONDO:0004994, HP:0001638. Inheritance: Various modes of inheritance.

Allele frequency attached by ClinVar (database versions not stated): gnomAD exomes 0.00002 and 0.00003; TOPMed 0.00003; ExAC 0.00004; gnomAD 0.00005 and 0.00006; ESP Exome Variant Server 0.00008; 1000 Genomes Project 30x 0.00016; 1000 Genomes Project 0.00020.
gnomAD v4.1: 56 of 1,614,146 alleles (0.0035%); highest among the groups gnomAD compares: South Asian, 0.013%; no homozygotes.

Submissions (6):

Labcorp Genetics (formerly Invitae), Labcorp
Classification: Uncertain significance for Arrhythmogenic right ventricular dysplasia 12; Naxos disease. Last evaluated: 2026-01-10. Review status: criteria provided, single submitter. Criteria: Invitae Variant Classification Sherloc (09022015). Collection method: clinical testing. Allele origin: germline.
Comment: This sequence change replaces valine, which is neutral and non-polar, with isoleucine, which is neutral and non-polar, at codon 37 of the JUP protein (p.Val37Ile). This variant is present in population databases (rs150769772, gnomAD 0.006%). This variant has not been reported in the literature in individuals affected with JUP-related conditions. ClinVar contains an entry for this variant (Variation ID: 836987). An algorithm developed to predict the effect of missense changes on protein structure and function (PolyPhen-2) suggests that this variant is likely to be tolerated. In summary, the available evidence is currently insufficient to determine the role of this variant in disease. Therefore, it has been classified as a Variant of Uncertain Significance.

Ambry Genetics
Classification: Uncertain significance for Cardiovascular phenotype. Last evaluated: 2024-03-04. Review status: criteria provided, single submitter. Criteria: Ambry Variant Classification Scheme 2023. Collection method: clinical testing. Allele origin: germline.
Comment: The p.V37I variant (also known as c.109G>A), located in coding exon 1 of the JUP gene, results from a G to A substitution at nucleotide position 109. The valine at codon 37 is replaced by isoleucine, an amino acid with highly similar properties. This amino acid position is conserved. In addition, this alteration is predicted to be tolerated by in silico analysis. Since supporting evidence is limited at this time, the clinical significance of this alteration remains unclear.

Fulgent Genetics
Classification: Uncertain significance for Naxos disease; Arrhythmogenic right ventricular dysplasia 12. Last evaluated: 2021-10-08. Review status: criteria provided, single submitter. Criteria: ACMG Guidelines, 2015. Collection method: clinical testing. Allele origin: unknown.

GeneDx
Classification: Uncertain significance. Last evaluated: 2021-04-29. Review status: criteria provided, single submitter. Criteria: GeneDx Variant Classification Process June 2021. Collection method: clinical testing. Allele origin: germline. Affected: yes.
Comment: In silico analysis supports that this missense variant does not alter protein structure/function; Has not been previously published as pathogenic or benign to our knowledge; Reported in ClinVar as a variant of uncertain significance (ClinVar Variant ID# 836987; Landrum et al., 2016)

CHEO Genetics Diagnostic Laboratory, Children's Hospital of Eastern Ontario
Classification: Uncertain significance for Cardiomyopathy. Last evaluated: 2020-08-14. Review status: criteria provided, single submitter. Criteria: ACMG Guidelines, 2015. Collection method: clinical testing. Allele origin: germline.

PreventionGenetics, part of Exact Sciences
Classification: Uncertain significance for JUP-related condition. Last evaluated: 2024-09-21. Review status: no assertion criteria provided. Collection method: clinical testing. Allele origin: germline. Not counted in ClinVar's aggregate classification.
Comment: The JUP c.109G>A variant is predicted to result in the amino acid substitution p.Val37Ile. To our knowledge, this variant has not been reported in the literature. This variant is reported in 0.0065% of alleles in individuals of South Asian descent in gnomAD. At this time, the clinical significance of this variant is uncertain due to the absence of conclusive functional and genetic evidence.

NM_002230.4(JUP):c.109G>A (p.Val37Ile)

Gene: JUP (junction plakoglobin; minus strand). Cytogenetic location: 17q21.2.
Variant type: single nucleotide variant.
Coding change: c.109G>A on transcript NM_002230.4 (MANE Select); coding-DNA position 109, G replaced by A.
Protein change: p.Val37Ile; replaces valine 37 with isoleucine.
Molecular consequence: missense variant.
Genome position (GRCh38, 1-based): chr17:41,771,746, C>T on the plus strand (G>A on the coding strand, the complement: JUP is on the minus strand). VCF-style: chr17-41771746-C-T. GRCh37 (hg19) VCF-style: chr17-39927998-C-T.
Other names: c.109G>A (NM_021991.2); c.109G>A, p.Val37Ile (NM_001352773.2, NM_001352774.2, NM_001352775.2 and 3 more transcripts); short protein forms V37I.
Identifiers: ClinVar variation 836987 (VCV000836987.17), dbSNP rs150769772, ClinGen allele CA8565582.